The following is an entry in ClinVar:

NM_019066.5(MAGEL2):c.1592T>C (p.Leu531Pro)

Gene: MAGEL2 (MAGE family member L2; minus strand). Cytogenetic location: 15q11.2.
Variant type: single nucleotide variant.
Coding change: c.1592T>C on transcript NM_019066.5 (MANE Select); coding-DNA position 1592, T replaced by C.
Protein change: p.Leu531Pro; replaces leucine 531 with proline.
Molecular consequence: missense variant.
Genome position (GRCh38, 1-based): chr15:23,646,151, A>G on the plus strand (T>C on the coding strand, the complement: MAGEL2 is on the minus strand). VCF-style: chr15-23646151-A-G. GRCh37 (hg19) VCF-style: chr15-23891298-A-G.
Other names: short protein forms L531P.
Identifiers: ClinVar variation 3292689 (VCV003292689.2).

ClinVar aggregate classification (germline): Uncertain significance. Review status: criteria provided, multiple submitters, no conflicts (2 of 4 stars). 2 submissions from 2 submitters: Uncertain significance (2). Last evaluated 2025-05-07.

Conditions:
Inborn genetic diseases. Identifiers: MedGen C0950123, MeSH D030342.

Submissions (2):

Labcorp Genetics (formerly Invitae), Labcorp
Classification: Uncertain significance. Last evaluated: 2025-05-07. Review status: criteria provided, single submitter. Criteria: Invitae Variant Classification Sherloc (09022015). Collection method: clinical testing. Allele origin: germline.
Comment: This sequence change replaces leucine, which is neutral and non-polar, with proline, which is neutral and non-polar, at codon 531 of the MAGEL2 protein (p.Leu531Pro). This variant is not present in population databases (gnomAD no frequency). This variant has not been reported in the literature in individuals affected with MAGEL2-related conditions. ClinVar contains an entry for this variant (Variation ID: 3292689). Invitae Evidence Modeling of protein sequence and biophysical properties (such as structural, functional, and spatial information, amino acid conservation, physicochemical variation, residue mobility, and thermodynamic stability) has been performed for this missense variant. However, the output from this modeling did not meet the statistical confidence thresholds required to predict the impact of this variant on MAGEL2 protein function. In summary, the available evidence is currently insufficient to determine the role of this variant in disease. Therefore, it has been classified as a Variant of Uncertain Significance.

Ambry Genetics
Classification: Uncertain significance for Inborn genetic diseases. Last evaluated: 2024-05-02. Review status: criteria provided, single submitter. Criteria: Ambry Variant Classification Scheme 2023. Collection method: clinical testing. Allele origin: germline.